The following is an entry in ClinVar:

NM_001083962.2(TCF4):c.305-103C>A

Gene: TCF4 (transcription factor 4; minus strand). Cytogenetic location: 18q21.2.
Variant type: single nucleotide variant.
Coding change: c.305-103C>A on transcript NM_001083962.2 (MANE Select); 103 bases into the intron before coding-DNA position 305, C replaced by A.
Molecular consequence: intron variant. On other transcripts: missense variant (2).
Genome position (GRCh38, 1-based): chr18:55,403,621, G>T on the plus strand (C>A on the coding strand, the complement: TCF4 is on the minus strand). VCF-style: chr18-55403621-G-T. GRCh37 (hg19) VCF-style: chr18-53070852-G-T.
Other names: c.94C>A, p.Arg32Ser (NM_001243232.1, NM_001306208.1); c.611-103C>A (NM_001243226.3); c.233-103C>A (NM_001369584.1, NM_001369576.1, NM_001369577.1 and 15 more transcripts); c.305-103C>A (NM_001369571.1, NM_001369567.1, NM_001243228.2 and 8 more transcripts); c.299-103C>A (NM_001243230.2); c.179-103C>A (NM_001243231.2, NM_001348211.2); c.-83-103C>A (NM_001348212.2); c.-86-103C>A (NM_001348213.2, NM_001243233.2); short protein forms R32S.
Identifiers: ClinVar variation 3040948 (VCV003040948.4), dbSNP rs762052438, ClinGen allele CA8970577.
Genomic context (GRCh38, chr18:55,403,621, plus strand): 5'-TTAAAAAAAAATCTCCTCCAGGTAACAGACATCTACTGCTCTTCCCCGATGTTTACATAC[G>T]TAAAGTAGGCACTACTGGCAATGTATGCAAGCAAGAGAGGGAATAACACTTCCTCACTCT-3'

ClinVar aggregate classification (germline): Likely benign. Review status: criteria provided, multiple submitters, no conflicts (2 of 4 stars). 3 submissions from 3 submitters: Likely benign (2). 1 of the submissions does not count toward it. Last evaluated 2025-02-16.

Conditions:
TCF4-related disorder. Also called: TCF4-related condition.

gnomAD v4.1: 74 of 1,609,738 alleles (0.0046%); highest among the groups gnomAD compares: Admixed American, 0.049%; 1 homozygote.

Submissions (3):

Laboratory of Genetics, Children's Clinical University Hospital Latvia
Classification: Likely benign. Last evaluated: 2025-02-16. Review status: criteria provided, single submitter. Criteria: ACMG Guidelines, 2015. Collection method: clinical testing. Allele origin: germline. Affected: yes.

Blueprint Genetics
Classification: Likely benign. Last evaluated: 2024-04-22. Review status: criteria provided, single submitter. Criteria: ACMG Guidelines, 2015. Collection method: clinical testing. Allele origin: germline.

PreventionGenetics, part of Exact Sciences
Classification: Likely benign for TCF4-related condition. Last evaluated: 2019-09-30. Review status: no assertion criteria provided. Collection method: clinical testing. Allele origin: germline. Not counted in ClinVar's aggregate classification.
Comment: This variant is classified as likely benign based on ACMG/AMP sequence variant interpretation guidelines (Richards et al. 2015 PMID: 25741868, with internal and published modifications).